The following is an entry in ClinVar:

NM_016169.4(SUFU):c.173T>A (p.Val58Asp)

Gene: SUFU (SUFU negative regulator of hedgehog signaling; plus strand). Cytogenetic location: 10q24.32.
Variant type: single nucleotide variant.
Coding change: c.173T>A on transcript NM_016169.4 (MANE Select); coding-DNA position 173, T replaced by A.
Protein change: p.Val58Asp; replaces valine 58 with aspartic acid.
Molecular consequence: missense variant.
Genome position (GRCh38, 1-based): chr10:102,504,325, T>A. VCF-style: chr10-102504325-T-A. GRCh37 (hg19) VCF-style: chr10-104264082-T-A.
Other names: c.173T>A, p.Val58Asp (NM_001178133.2); short protein forms V58D.
Identifiers: ClinVar variation 1464849 (VCV001464849.6), dbSNP rs2135598841, ClinGen allele CA377886759.
Genomic context (GRCh38, chr10:102,504,325, plus strand): 5'-ACGGAGAGTGCCGCCGCCTTTACCCTGACCAGCCGAACCCGCTCCAGGTTACCGCTATCG[T>A]CAAGTACTGGTATGCTCTGGGCCGCGGGGAGACGGACAGGCGCGGGCTGGAAAGGGTTAA-3'
Protein context (NP_057253.2, residues 48-68): QPNPLQVTAI[Val58Asp]KYWLGGPDPL

ClinVar aggregate classification (germline): Uncertain significance (1 of 4 stars; one submission).

Conditions:
Gorlin syndrome. Also called: Nevoid Basal Cell Carcinoma Syndrome; Basal cell nevus syndrome. Identifiers: Orphanet 377, MedGen C0004779, MONDO:0007187.
Medulloblastoma (MDB). Also called: Medulloblastoma, somatic; MEDULLOBLASTOMA PREDISPOSITION SYNDROME. Identifiers: Orphanet 616, MedGen C0025149, MeSH D008527, MONDO:0007959, OMIM 155255, HP:0002885.

Submission:

Labcorp Genetics (formerly Invitae), Labcorp
Classification: Uncertain significance for Gorlin syndrome; Medulloblastoma. Last evaluated: 2021-08-17. Review status: criteria provided, single submitter. Criteria: Invitae Variant Classification Sherloc (09022015). Collection method: clinical testing. Allele origin: germline.
Comment: In summary, the available evidence is currently insufficient to determine the role of this variant in disease. Therefore, it has been classified as a Variant of Uncertain Significance. Algorithms developed to predict the effect of missense changes on protein structure and function are either unavailable or do not agree on the potential impact of this missense change (SIFT: "Deleterious"; PolyPhen-2: "Benign"; Align-GVGD: "Class C15"). This variant has not been reported in the literature in individuals affected with SUFU-related conditions. This variant is not present in population databases (ExAC no frequency). This sequence change replaces valine with aspartic acid at codon 58 of the SUFU protein (p.Val58Asp). The valine residue is moderately conserved and there is a large physicochemical difference between valine and aspartic acid.